The following is an entry in ClinVar:

ClinVar aggregate classification (germline): Uncertain significance (1 of 4 stars; one submission).

Submission:

Women's Health and Genetics/Laboratory Corporation of America, LabCorp
Classification: Uncertain significance. Last evaluated: 2026-03-13. Review status: criteria provided, single submitter. Criteria: LabCorp Variant Classification Summary - May 2015. Collection method: clinical testing. Allele origin: germline.
Comment: Variant summary: SHANK3 c.1361T>C (p.Leu454Pro) results in a non-conservative amino acid change in the encoded protein sequence. Algorithms developed to predict the effect of missense changes on protein structure and function are either unavailable or do not agree on the potential impact of this missense change. The variant was absent in 218808 control chromosomes. The available data on variant occurrences in the general population are insufficient to allow any conclusion about variant significance. To our knowledge, no occurrence of c.1361T>C in individuals affected with SHANK3-related conditions and no experimental evidence demonstrating its impact on protein function have been reported. No submitters have cited clinical-significance assessments for this variant to ClinVar. Based on the evidence outlined above, the variant was classified as uncertain significance.

NM_001372044.2(SHANK3):c.1361T>C (p.Leu454Pro)

Gene: SHANK3 (SH3 and multiple ankyrin repeat domains 3; plus strand). Cytogenetic location: 22q13.33.
Variant type: single nucleotide variant.
Coding change: c.1361T>C on transcript NM_001372044.2 (MANE Select); coding-DNA position 1361, T replaced by C.
Protein change: p.Leu454Pro; replaces leucine 454 with proline.
Molecular consequence: missense variant.
Genome position (GRCh38, 1-based): chr22:50,694,880, T>C. VCF-style: chr22-50694880-T-C. GRCh37 (hg19) VCF-style: chr22-51133308-T-C.
Other names: short protein forms L454P.
Identifiers: ClinVar variation 4847242 (VCV004847242.1).
Genomic context (GRCh38, chr22:50,694,880, plus strand): 5'-CTGGCCCCAGTGGCTTGGCATCCCCTCGGCCTCTGCAGCGCTCAGCCAGCGATATCAACC[T>C]GAAGGGGGAGGCACAGCCAGCAGCTTCTCCTGGACCCTCGCTGAGAAGCCTCCCCCACCA-3'
Protein context (NP_001358973.1, residues 444-464): PLQRSASDIN[Leu454Pro]KGEAQPAASP